The following is an entry in ClinVar:

NM_001039591.3(USP9X):c.5920A>G (p.Ile1974Val)

Gene: USP9X (ubiquitin specific peptidase 9 X-linked; plus strand). Cytogenetic location: Xp11.4.
Variant type: single nucleotide variant.
Coding change: c.5920A>G on transcript NM_001039591.3 (MANE Select); coding-DNA position 5920, A replaced by G.
Protein change: p.Ile1974Val; replaces isoleucine 1974 with valine.
Molecular consequence: missense variant.
Genome position (GRCh38, 1-based): chrX:41,216,487, A>G. VCF-style: chrX-41216487-A-G. GRCh37 (hg19) VCF-style: chrX-41075740-A-G.
Other names: c.5920A>G, p.Ile1974Val (NM_001039590.3); short protein forms I1974V.
Identifiers: ClinVar variation 599442 (VCV000599442.33), dbSNP rs760867179, ClinGen allele CA10389035.

ClinVar aggregate classification (germline): Benign/Likely benign. Review status: criteria provided, multiple submitters, no conflicts (2 of 4 stars). 7 submissions from 7 submitters: Benign (2); Likely benign (4). 1 of the submissions does not count toward it. Last evaluated 2026-01-01.

Conditions:
USP9X-related disorder. Also called: USP9X-related condition.
Inborn genetic diseases. Identifiers: MedGen C0950123, MeSH D030342.

Allele frequency attached by ClinVar (database versions not stated): gnomAD 0.00002 and 0.00005; TOPMed 0.00017; 1000 Genomes Project 30x 0.00021; 1000 Genomes Project 0.00026; gnomAD exomes 0.00029; ExAC 0.00030.
gnomAD v4.1: 114 of 1,209,575 alleles (0.0094%); highest among the groups gnomAD compares: Middle Eastern, 0.21%; no homozygotes.

Submissions (7):

CeGaT Center for Human Genetics Tuebingen
Classification: Likely benign. Last evaluated: 2026-01-01. Review status: criteria provided, single submitter. Criteria: CeGaT Center For Human Genetics Tuebingen Variant Classification Criteria Version 2. Collection method: clinical testing. Allele origin: germline. Affected: yes. Observed: 2 variant alleles.
Comment: USP9X: BP4, BS2

Labcorp Genetics (formerly Invitae), Labcorp
Classification: Likely benign. Last evaluated: 2025-09-09. Review status: criteria provided, single submitter. Criteria: Invitae Variant Classification Sherloc (09022015). Collection method: clinical testing. Allele origin: germline.

Ambry Genetics
Classification: Likely benign for Inborn genetic diseases. Last evaluated: 2025-02-06. Review status: criteria provided, single submitter. Criteria: Ambry Variant Classification Scheme 2023. Collection method: clinical testing. Allele origin: germline.

Blueprint Genetics
Classification: Likely benign. Last evaluated: 2024-10-25. Review status: criteria provided, single submitter. Criteria: ACMG Guidelines, 2015. Collection method: clinical testing. Allele origin: germline.

GeneDx
Classification: Benign. Last evaluated: 2021-03-11. Review status: criteria provided, single submitter. Criteria: GeneDx Variant Classification Process June 2021. Collection method: clinical testing. Allele origin: germline. Affected: yes.

Institute for Genomic Medicine (IGM) Clinical Laboratory, Nationwide Children's Hospital
Classification: Benign. Last evaluated: 2017-11-20. Review status: criteria provided, single submitter. Criteria: ACMG Guidelines, 2015. Collection method: clinical testing. Allele origin: germline.
Comment: BS1, BS2, BP4, BP5; This alteration has an allele frequency that is greater than expected for the associated disease, was seen in a healthy adult where full penetrance of the disorder is expected at an early age, is predicted to be tolerated by multiple functional prediction tools, and was found in a case with an alternate molecular basis for disease.

PreventionGenetics, part of Exact Sciences
Classification: Likely benign for USP9X-related condition. Last evaluated: 2022-05-23. Review status: no assertion criteria provided. Collection method: clinical testing. Allele origin: germline. Not counted in ClinVar's aggregate classification.
Comment: This variant is classified as likely benign based on ACMG/AMP sequence variant interpretation guidelines (Richards et al. 2015 PMID: 25741868, with internal and published modifications).